The following is an entry in ClinVar:

NM_173660.5(DOK7):c.1313C>G (p.Thr438Arg)

Gene: DOK7 (docking protein 7; plus strand). Cytogenetic location: 4p16.3.
Variant type: single nucleotide variant.
Coding change: c.1313C>G on transcript NM_173660.5 (MANE Select); coding-DNA position 1313, C replaced by G.
Protein change: p.Thr438Arg; replaces threonine 438 with arginine.
Molecular consequence: missense variant. On other transcripts: 3 prime UTR variant (1).
Genome position (GRCh38, 1-based): chr4:3,493,299, C>G. VCF-style: chr4-3493299-C-G. GRCh37 (hg19) VCF-style: chr4-3495026-C-G.
Other names: c.*534C>G (NM_001164673.2); c.383C>G, p.Thr128Arg (NM_001256896.2); c.1313C>G, p.Thr438Arg (NM_001301071.2); c.881C>G, p.Thr294Arg (NM_001363811.2); short protein forms T438R, T294R, T128R.
Identifiers: ClinVar variation 198625 (VCV000198625.17), dbSNP rs376805794, ClinGen allele CA247386.
Genomic context (GRCh38, chr4:3,493,299, plus strand): 5'-ACAGCCCCCCCTCACAGGGCAGCCCCGGCAACAGTGCGGCCAGGGACTCAGGCGGCCAGA[C>G]GTCCGCCGGGTGTCCCTCTGGCTGGCTGGGCACGAGACGGCGGGGCCTGGTGATGGAGGC-3'
Protein context (NP_775931.3, residues 428-448): NSAARDSGGQ[Thr438Arg]SAGCPSGWLG

ClinVar aggregate classification (germline): Conflicting classifications of pathogenicity. Review status: criteria provided, conflicting classifications (1 of 4 stars). 3 submissions from 3 submitters: Uncertain significance (1); Likely benign (1). 1 of the submissions does not count toward it. Last evaluated 2026-01-26.

Conditions:
DOK7-related disorder. Also called: DOK7-related condition.
Fetal akinesia deformation sequence 1 (FADS1). Also called: Pena-Shokeir syndrome type I; Fetal akinesia sequence. Identifiers: Orphanet 994, MedGen C1276035, MONDO:0100101, OMIM 208150, HP:0001989.
Congenital myasthenic syndrome 10. Also called: Myasthenia, limb-girdle, familial. Identifiers: Orphanet 590, MedGen C1850792, MONDO:0009690, OMIM 254300.

Allele frequency attached by ClinVar (database versions not stated): TOPMed 0.00018; 1000 Genomes Project 30x 0.00062.
gnomAD v4.1: 156 of 1,607,038 alleles (0.0097%); highest among the groups gnomAD compares: East Asian, 0.27%; no homozygotes.

Submissions (3):

Labcorp Genetics (formerly Invitae), Labcorp
Classification: Likely benign for Congenital myasthenic syndrome 10; Fetal akinesia deformation sequence 1. Last evaluated: 2026-01-26. Review status: criteria provided, single submitter. Criteria: Invitae Variant Classification Sherloc (09022015). Collection method: clinical testing. Allele origin: germline.

Eurofins Ntd Llc (ga)
Classification: Uncertain significance. Last evaluated: 2015-02-05. Review status: criteria provided, single submitter. Criteria: EGL Classification Definitions 2015. Collection method: clinical testing. Allele origin: germline. Observed: 1 variant allele, 1 heterozygote.

PreventionGenetics, part of Exact Sciences
Classification: Likely benign for DOK7-related condition. Last evaluated: 2022-09-28. Review status: no assertion criteria provided. Collection method: clinical testing. Allele origin: germline. Not counted in ClinVar's aggregate classification.
Comment: This variant is classified as likely benign based on ACMG/AMP sequence variant interpretation guidelines (Richards et al. 2015 PMID: 25741868, with internal and published modifications).